The following is an entry in ClinVar:

NM_000465.4(BARD1):c.401A>C (p.Asn134Thr)

Gene: BARD1 (BRCA1 associated RING domain 1; minus strand). Cytogenetic location: 2q35.
Variant type: single nucleotide variant.
Coding change: c.401A>C on transcript NM_000465.4 (MANE Select); coding-DNA position 401, A replaced by C.
Protein change: p.Asn134Thr; replaces asparagine 134 with threonine.
Molecular consequence: missense variant. On other transcripts: non-coding transcript variant (2), intron variant (3).
Genome position (GRCh38, 1-based): chr2:214,781,473, T>G on the plus strand (A>C on the coding strand, the complement: BARD1 is on the minus strand). VCF-style: chr2-214781473-T-G. GRCh37 (hg19) VCF-style: chr2-215646197-T-G.
Other names: c.344A>C, p.Asn115Thr (NM_001282543.2); c.158+27939A>C (NM_001282548.2); c.215+15588A>C (NM_001282545.2); c.364+10824A>C (NM_001282549.2); c.401A>C (NM_000465.2); short protein forms N134T, N115T.
Identifiers: ClinVar variation 627689 (VCV000627689.15), dbSNP rs1559426297, ClinGen allele CA350458075.

ClinVar aggregate classification (germline): Conflicting classifications of pathogenicity. Review status: criteria provided, conflicting classifications (1 of 4 stars). 3 submissions from 3 submitters: Uncertain significance (2); Likely benign (1). Last evaluated 2026-01-12.

Conditions:
Hereditary cancer-predisposing syndrome. Also called: Tumor predisposition; Hereditary Cancer Syndrome; Neoplastic Syndromes, Hereditary; Hereditary neoplastic syndrome. Identifiers: Orphanet 140162, MedGen C0027672, MeSH D009386, MONDO:0015356.
Familial cancer of breast. Also called: BREAST CANCER, FAMILIAL; Hereditary breast cancer; hereditary breast carcinoma. Identifiers: Orphanet 227535, MedGen C0346153, MONDO:0016419, OMIM 114480. Disease mechanism: loss of function.

Submissions (3):

Labcorp Genetics (formerly Invitae), Labcorp
Classification: Uncertain significance for Familial cancer of breast. Last evaluated: 2026-01-12. Review status: criteria provided, single submitter. Criteria: Invitae Variant Classification Sherloc (09022015). Collection method: clinical testing. Allele origin: germline.
Comment: This sequence change replaces asparagine, which is neutral and polar, with threonine, which is neutral and polar, at codon 134 of the BARD1 protein (p.Asn134Thr). This variant is not present in population databases (gnomAD no frequency). This variant has not been reported in the literature in individuals affected with BARD1-related conditions. ClinVar contains an entry for this variant (Variation ID: 627689). An algorithm developed to predict the effect of missense changes on protein structure and function (PolyPhen-2) suggests that this variant is likely to be tolerated. In summary, the available evidence is currently insufficient to determine the role of this variant in disease. Therefore, it has been classified as a Variant of Uncertain Significance.

Ambry Genetics
Classification: Likely benign for Hereditary cancer-predisposing syndrome. Last evaluated: 2024-11-14. Review status: criteria provided, single submitter. Criteria: Ambry Variant Classification Scheme 2023. Collection method: clinical testing. Allele origin: germline.

Color Diagnostics, LLC DBA Color Health
Classification: Uncertain significance for Hereditary cancer-predisposing syndrome. Last evaluated: 2024-03-06. Review status: criteria provided, single submitter. Criteria: ACMG Guidelines, 2015. Collection method: clinical testing. Allele origin: germline.
Comment: This missense variant replaces asparagine with threonine at codon 134 of the BARD1 protein. Computational prediction suggests that this variant may not impact protein structure and function (internally defined REVEL score threshold <= 0.5, PMID: 27666373). To our knowledge, functional studies have not been reported for this variant. This variant has not been reported in individuals affected with hereditary cancer in the literature. This variant has not been identified in the general population by the Genome Aggregation Database (gnomAD). The available evidence is insufficient to determine the role of this variant in disease conclusively. Therefore, this variant is classified as a Variant of Uncertain Significance.